The following is an entry in ClinVar:

ClinVar aggregate classification (germline): Pathogenic (1 of 4 stars; one submission).

Conditions:
Sphingolipid activator protein 1 deficiency. Also called: Metachromatic leukodystrophy due to saposin B deficiency; Saposin B Deficiency; METACHROMATIC LEUKODYSTROPHY DUE TO CEREBROSIDE SULFATASE ACTIVATOR DEFICIENCY. Identifiers: Orphanet 512, MedGen C0268262, MONDO:0009590, OMIM 249900.

Allele frequency attached by ClinVar (database versions not stated): TOPMed below 0.00001; gnomAD 0.00001.

Submission:

Labcorp Genetics (formerly Invitae), Labcorp
Classification: Pathogenic for Sphingolipid activator protein 1 deficiency. Last evaluated: 2023-03-17. Review status: criteria provided, single submitter. Criteria: Invitae Variant Classification Sherloc (09022015). Collection method: clinical testing. Allele origin: germline.
Comment: This sequence change creates a premature translational stop signal (p.Gln203Argfs*3) in the PSAP gene. It is expected to result in an absent or disrupted protein product. Loss-of-function variants in PSAP are known to be pathogenic (PMID: 8554069, 11309366, 17616409, 19267410, 30632081). For these reasons, this variant has been classified as Pathogenic. This variant has not been reported in the literature in individuals affected with PSAP-related conditions. This variant is present in population databases (no rsID available, gnomAD 0.06%).

Literature cited by the submitters: PubMed 8554069; PubMed 11309366; PubMed 17616409; PubMed 19267410; PubMed 30632081.

NM_002778.4(PSAP):c.607del (p.Gln203fs)

Gene: PSAP (prosaposin; minus strand). Cytogenetic location: 10q22.1.
Variant type: Deletion.
Coding change: c.607del on transcript NM_002778.4 (MANE Select); coding-DNA position 607, one base deleted (C; older notation c.607delC).
Protein change: p.Gln203fs; shifts the reading frame from glutamine 203.
Molecular consequence: frameshift variant.
Genome position (GRCh38, 1-based): chr10:71,828,127, G deleted on the plus strand (C on the coding strand, the reverse complement: PSAP is on the minus strand). VCF-style (leftmost placement, unchanged base first): chr10-71828126-TG-T. GRCh37 (hg19) VCF-style: chr10-73587883-TG-T.
Other names: c.607del, p.Gln203fs (NM_001042465.3, NM_001042466.3); short protein forms Q203fs.
Identifiers: ClinVar variation 2846593 (VCV002846593.3), dbSNP rs1489308019, ClinGen allele CA594310055.
Genomic context (GRCh38, chr10:71,828,126, plus strand): 5'-ACCAAGGCCTGGACAAAGGTGGAGTTGGTCCGTACAGCAGTCTGGATGTCAGTCACCATC[TG>T]AATGCAGTCCTGGCAAACGTCCCCATTATCCTACAGAAGAGGCAGTTAGGTTTGCAACTT-3'